The following is an entry in ClinVar:

ClinVar aggregate classification (germline): Benign. Review status: criteria provided, multiple submitters, no conflicts (2 of 4 stars). 3 submissions from 3 submitters: Benign (2). 1 of the submissions does not count toward it. Last evaluated 2019-12-31.

Conditions:
CSMD3-related disorder. Also called: CSMD3-related condition.

Allele frequency attached by ClinVar (database versions not stated): gnomAD exomes 0.00774; ExAC 0.00970; gnomAD 0.03018 and 0.03229; TOPMed 0.03385; ESP Exome Variant Server 0.03406; 1000 Genomes Project 0.03594; 1000 Genomes Project 30x 0.03795.
gnomAD v4.1: 9,128 of 1,612,876 alleles (0.57%); highest among the groups gnomAD compares: African/African-American, 10%; 446 homozygotes.

Submissions (3):

Labcorp Genetics (formerly Invitae), Labcorp
Classification: Benign. Last evaluated: 2019-12-31. Review status: criteria provided, single submitter. Criteria: Invitae Variant Classification Sherloc (09022015). Collection method: clinical testing. Allele origin: germline.

Breakthrough Genomics
Classification: Benign. Review status: criteria provided, single submitter. Criteria: ACMG Guidelines, 2015. Collection method: not provided. Allele origin: germline. Inheritance: Unknown mechanism. Affected: yes.

PreventionGenetics, part of Exact Sciences
Classification: Benign for CSMD3-related condition. Last evaluated: 2020-01-24. Review status: no assertion criteria provided. Collection method: clinical testing. Allele origin: germline. Not counted in ClinVar's aggregate classification.
Comment: This variant is classified as benign based on ACMG/AMP sequence variant interpretation guidelines (Richards et al. 2015 PMID: 25741868, with internal and published modifications).

NM_198123.2(CSMD3):c.9852G>A (p.Pro3284=)

Gene: CSMD3 (CUB and Sushi multiple domains 3; minus strand). Cytogenetic location: 8q23.3.
Variant type: single nucleotide variant.
Coding change: c.9852G>A on transcript NM_198123.2 (MANE Select); coding-DNA position 9852, G replaced by A.
Protein change: p.Pro3284=; no amino-acid change (proline 3284 retained).
Molecular consequence: synonymous variant.
Genome position (GRCh38, 1-based): chr8:112,263,649, C>T on the plus strand (G>A on the coding strand, the complement: CSMD3 is on the minus strand). VCF-style: chr8-112263649-C-T. GRCh37 (hg19) VCF-style: chr8-113275878-C-T.
Other names: c.9252G>A, p.Pro3084= (NM_001363185.1); c.9345G>A, p.Pro3115= (NM_052900.3); c.9732G>A, p.Pro3244= (NM_198124.2).
Identifiers: ClinVar variation 776374 (VCV000776374.7), dbSNP rs16883323, ClinGen allele CA4848574.